The following is an entry in ClinVar:

NM_000090.4(COL3A1):c.2712C>T (p.Pro904=)

Gene: COL3A1 (collagen type III alpha 1 chain; plus strand). Cytogenetic location: 2q32.2.
Variant type: single nucleotide variant.
Coding change: c.2712C>T on transcript NM_000090.4 (MANE Select); coding-DNA position 2712, C replaced by T.
Protein change: p.Pro904=; no amino-acid change (proline 904 retained).
Molecular consequence: synonymous variant.
Genome position (GRCh38, 1-based): chr2:189,004,032, C>T. VCF-style: chr2-189004032-C-T. GRCh37 (hg19) VCF-style: chr2-189868758-C-T.
Identifiers: ClinVar variation 333061 (VCV000333061.29), dbSNP rs375673185, ClinGen allele CA075550.

ClinVar aggregate classification (germline): Likely benign. Review status: criteria provided, multiple submitters, no conflicts (2 of 4 stars). 9 submissions from 9 submitters: Likely benign (9). Last evaluated 2026-02-01.

Conditions:
Ehlers-Danlos syndrome, type 4 (EDSVASC). Also called: Ehlers-Danlos Syndrome Type IV; Ehlers-Danlos syndrome vascular type; Ehlers Danlos syndrome, ecchymotic type; Ehlers Danlos syndrome, arterial type; Ehlers Danlos syndrome, Sack-Barabas type. Identifiers: Orphanet 286, MedGen C0268338, MONDO:0017314, OMIM 130050.
Familial thoracic aortic aneurysm and aortic dissection (TAAD). Also called: Thoracic aortic aneurysms and dissections. Identifiers: Orphanet 91387, MedGen C4707243, MONDO:0019625.

Allele frequency attached by ClinVar (database versions not stated): TOPMed 0.00003; ESP Exome Variant Server 0.00008; ExAC 0.00009; gnomAD 0.00010.
gnomAD v4.1: 83 of 1,612,908 alleles (0.0051%); highest among the groups gnomAD compares: Admixed American, 0.0067%; no homozygotes.

Submissions (9):

CeGaT Center for Human Genetics Tuebingen
Classification: Likely benign. Last evaluated: 2026-02-01. Review status: criteria provided, single submitter. Criteria: CeGaT Center For Human Genetics Tuebingen Variant Classification Criteria Version 2. Collection method: clinical testing. Allele origin: germline. Affected: yes. Observed: 1 variant allele.
Comment: COL3A1: BP4, BP7

Labcorp Genetics (formerly Invitae), Labcorp
Classification: Likely benign for Ehlers-Danlos syndrome, type 4. Last evaluated: 2026-01-26. Review status: criteria provided, single submitter. Criteria: Invitae Variant Classification Sherloc (09022015). Collection method: clinical testing. Allele origin: germline.

Molecular Diagnostic Laboratory for Inherited Cardiovascular Disease, Montreal Heart Institute
Classification: Likely benign. Last evaluated: 2025-04-09. Review status: criteria provided, single submitter. Criteria: ACMG Guidelines, 2015. Collection method: clinical testing. Allele origin: germline. Affected: no.

Blueprint Genetics
Classification: Likely benign. Last evaluated: 2024-08-16. Review status: criteria provided, single submitter. Criteria: ACMG Guidelines, 2015. Collection method: clinical testing. Allele origin: germline.

All of Us Research Program, National Institutes of Health
Classification: Likely benign for Ehlers-Danlos syndrome, type 4. Last evaluated: 2023-07-22. Review status: criteria provided, single submitter. Criteria: ACMG Guidelines, 2015. Collection method: clinical testing. Allele origin: germline. Inheritance: Autosomal dominant inheritance. Observed: 5 variant alleles, 5 heterozygotes.
Comment: This study involves interpretation of variants in research participants for the purpose of population health screening. Participant phenotype was not available at the time of variant classification. Additional details can be found in publication PMID: 35346344, PMCID: PMC8962531

Ambry Genetics
Classification: Likely benign for Familial thoracic aortic aneurysm and aortic dissection. Last evaluated: 2022-08-27. Review status: criteria provided, single submitter. Criteria: Ambry Variant Classification Scheme 2023. Collection method: clinical testing. Allele origin: germline.

GeneDx
Classification: Likely benign. Last evaluated: 2021-03-17. Review status: criteria provided, single submitter. Criteria: GeneDx Variant Classification Process June 2021. Collection method: clinical testing. Allele origin: germline. Affected: yes.

Color Diagnostics, LLC DBA Color Health
Classification: Likely benign for Familial thoracic aortic aneurysm and aortic dissection. Last evaluated: 2018-11-27. Review status: criteria provided, single submitter. Criteria: ACMG Guidelines, 2015. Collection method: clinical testing. Allele origin: germline.

Illumina Laboratory Services, Illumina
Classification: Likely benign for Ehlers-Danlos syndrome, type 4. Last evaluated: 2018-01-13. Review status: criteria provided, single submitter. Criteria: ICSL Variant Classification Criteria 13 December 2019. Collection method: clinical testing. Allele origin: germline.
Comment: This variant was observed in the ICSL laboratory as part of a predisposition screen in an ostensibly healthy population. It had not been previously curated by ICSL or reported in the Human Gene Mutation Database (HGMD: prior to June 1st, 2018), and was therefore a candidate for classification through an automated scoring system. Utilizing variant allele frequency, disease prevalence and penetrance estimates, and inheritance mode, an automated score was calculated to assess if this variant is too frequent to cause the disease. Based on the score and internal cut-off values, a variant classified as likely benign is not then subjected to further curation. The score for this variant resulted in a classification of likely benign for this disease.